The following is an entry in ClinVar:

NM_002734.5(PRKAR1A):c.217A>G (p.Thr73Ala)

Gene: PRKAR1A (protein kinase cAMP-dependent type I regulatory subunit alpha; plus strand). Cytogenetic location: 17q24.2.
Variant type: single nucleotide variant.
Coding change: c.217A>G on transcript NM_002734.5 (MANE Select); coding-DNA position 217, A replaced by G.
Protein change: p.Thr73Ala; replaces threonine 73 with alanine.
Molecular consequence: missense variant.
Genome position (GRCh38, 1-based): chr17:68,522,795, A>G. VCF-style: chr17-68522795-A-G. GRCh37 (hg19) VCF-style: chr17-66518936-A-G.
Other names: c.217A>G, p.Thr73Ala (NM_001276289.2, NM_001276290.1, NM_001278433.2 and 4 more transcripts); short protein forms T73A.
Identifiers: ClinVar variation 5027312 (VCV005027312.1).

ClinVar aggregate classification (germline): Uncertain significance (1 of 4 stars; one submission).

Conditions:
Hereditary cancer-predisposing syndrome. Also called: Neoplastic Syndromes, Hereditary; Tumor predisposition; Hereditary neoplastic syndrome; Hereditary Cancer Syndrome. Identifiers: Orphanet 140162, MedGen C0027672, MeSH D009386, MONDO:0015356.

gnomAD v4.1: 2 of 1,614,056 alleles (0.00012%); highest among the groups gnomAD compares: Non-Finnish European, 0.000085%; no homozygotes.

Submission:

Ambry Genetics
Classification: Uncertain significance for Hereditary cancer-predisposing syndrome. Last evaluated: 2026-07-06. Review status: criteria provided, single submitter. Criteria: Ambry Variant Classification Scheme 2023. Collection method: clinical testing. Allele origin: germline.
Comment: The p.T73A variant (also known as c.217A>G), located in coding exon 2 of the PRKAR1A gene, results from an A to G substitution at nucleotide position 217. The threonine at codon 73 is replaced by alanine, an amino acid with similar properties. This amino acid position is conserved. In addition, this alteration is predicted to be tolerated by in silico analysis. Based on the available evidence, the clinical significance of this variant remains unclear.